The following is an entry in ClinVar:

NM_001330078.2(NRXN1):c.4120A>G (p.Ile1374Val)

Gene: NRXN1 (neurexin 1; minus strand). Cytogenetic location: 2p16.3.
Variant type: single nucleotide variant.
Coding change: c.4120A>G on transcript NM_001330078.2 (MANE Select); coding-DNA position 4120, A replaced by G.
Protein change: p.Ile1374Val; replaces isoleucine 1374 with valine.
Molecular consequence: missense variant.
Genome position (GRCh38, 1-based): chr2:50,053,279, T>C on the plus strand (A>G on the coding strand, the complement: NRXN1 is on the minus strand). VCF-style: chr2-50053279-T-C. GRCh37 (hg19) VCF-style: chr2-50280417-T-C.
Other names: c.4240A>G, p.Ile1414Val (NM_001135659.3); c.4096A>G, p.Ile1366Val (NM_001330077.2, NM_001330082.2); c.3964A>G, p.Ile1322Val (NM_001330083.2); c.4054A>G, p.Ile1352Val (NM_001330084.2); c.4093A>G, p.Ile1365Val (NM_001330085.2); c.4120A>G, p.Ile1374Val (NM_001330086.2); c.3919A>G, p.Ile1307Val (NM_001330087.2, NM_001330096.2); c.3949A>G, p.Ile1317Val (NM_001330088.2); and 6 more; short protein forms I1365V, I1370V, I339V, I1352V, I1373V, I1307V, I1366V, I1374V.
Identifiers: ClinVar variation 2832180 (VCV002832180.3), dbSNP rs1693026343, ClinGen allele CA346819349.

ClinVar aggregate classification (germline): Uncertain significance (1 of 4 stars; one submission).

Conditions:
Pitt-Hopkins-like syndrome 2 (PTHSL2). Identifiers: Orphanet 221150, Orphanet 600663, MedGen C3280479, MONDO:0013690, OMIM 614325.

Allele frequency attached by ClinVar (database versions not stated): gnomAD 0.00001.
gnomAD v4.1: 2 of 1,613,780 alleles (0.00012%); highest among the groups gnomAD compares: Admixed American, 0.0033%; no homozygotes.

Submission:

Labcorp Genetics (formerly Invitae), Labcorp
Classification: Uncertain significance for Pitt-Hopkins-like syndrome 2. Last evaluated: 2023-03-09. Review status: criteria provided, single submitter. Criteria: Invitae Variant Classification Sherloc (09022015). Collection method: clinical testing. Allele origin: germline.
Comment: This sequence change replaces isoleucine, which is neutral and non-polar, with valine, which is neutral and non-polar, at codon 1414 of the NRXN1 protein (p.Ile1414Val). This variant is not present in population databases (gnomAD no frequency). This variant has not been reported in the literature in individuals affected with NRXN1-related conditions. Advanced modeling of protein sequence and biophysical properties (such as structural, functional, and spatial information, amino acid conservation, physicochemical variation, residue mobility, and thermodynamic stability) performed at Invitae indicates that this missense variant is not expected to disrupt NRXN1 protein function. In summary, the available evidence is currently insufficient to determine the role of this variant in disease. Therefore, it has been classified as a Variant of Uncertain Significance.